The following is an entry in ClinVar:

NM_004168.4(SDHA):c.64-15C>T

Gene: SDHA (succinate dehydrogenase complex flavoprotein subunit A; plus strand). Cytogenetic location: 5p15.33.
Variant type: single nucleotide variant.
Coding change: c.64-15C>T on transcript NM_004168.4 (MANE Select); 15 bases into the intron before coding-DNA position 64, C replaced by T.
Molecular consequence: intron variant.
Genome position (GRCh38, 1-based): chr5:223,467, C>T. VCF-style: chr5-223467-C-T. GRCh37 (hg19) VCF-style: chr5-223582-C-T.
Other names: c.64-15C>T (NM_001330758.2, NM_001294332.2).
Identifiers: ClinVar variation 1573812 (VCV001573812.9), dbSNP rs1388748464, ClinGen allele CA808820781.

ClinVar aggregate classification (germline): Likely benign. Review status: criteria provided, multiple submitters, no conflicts (2 of 4 stars). 2 submissions from 2 submitters: Likely benign (2). Last evaluated 2025-11-13.

Conditions:
Pheochromocytoma/paraganglioma syndrome 5. Also called: Paragangliomas 5; SDHA-Related Hereditary Paraganglioma-Pheochromocytoma Syndrome. Identifiers: Orphanet 29072, MedGen C3279992, MONDO:0013602, OMIM 614165.
Mitochondrial complex II deficiency, nuclear type 1. Also called: SUCCINATE CoQ REDUCTASE DEFICIENCY. Identifiers: Orphanet 3208, MedGen C5700310, MONDO:0100294, OMIM 252011.

Allele frequency attached by ClinVar (database versions not stated): gnomAD exomes below 0.00001; TOPMed below 0.00001; gnomAD 0.00001.
gnomAD v4.1: 2 of 1,584,882 alleles (0.00013%); highest among the groups gnomAD compares: Non-Finnish European, 0.00017%; no homozygotes.

Submissions (2):

Labcorp Genetics (formerly Invitae), Labcorp
Classification: Likely benign for Pheochromocytoma/paraganglioma syndrome 5; Mitochondrial complex II deficiency, nuclear type 1. Last evaluated: 2025-11-13. Review status: criteria provided, single submitter. Criteria: Invitae Variant Classification Sherloc (09022015). Collection method: clinical testing. Allele origin: germline.

Myriad Genetics, Inc.
Classification: Likely benign for Pheochromocytoma/paraganglioma syndrome 5. Last evaluated: 2025-02-28. Review status: criteria provided, single submitter. Criteria: Myriad Autosomal Dominant, Autosomal Recessive and X-Linked Classification Criteria (2023). Collection method: clinical testing. Allele origin: unknown.
Comment: This variant is considered likely benign. This variant is intronic and is not expected to impact mRNA splicing.